The following is an entry in ClinVar:

NM_022788.5(P2RY12):c.374A>C (p.Lys125Thr)

Genes: MED12L (mediator complex subunit 12L; plus strand), P2RY12 (purinergic receptor P2Y12; minus strand). Cytogenetic location: 3q25.1.
Variant type: single nucleotide variant.
Coding change: c.374A>C on transcript NM_022788.5 (MANE Select); coding-DNA position 374, A replaced by C.
Protein change: p.Lys125Thr; replaces lysine 125 with threonine.
Molecular consequence: missense variant. On other transcripts: intron variant (2).
Genome position (GRCh38, 1-based): chr3:151,338,472, T>G on the plus strand (A>C on the coding strand, the complement: P2RY12 is on the minus strand). VCF-style: chr3-151338472-T-G. GRCh37 (hg19) VCF-style: chr3-151056260-T-G.
Other names: c.374A>C, p.Lys125Thr (NM_176876.3); c.2251-11587T>G (NM_001393769.1); c.2146-11587T>G (NM_053002.6); short protein forms K125T.
Identifiers: ClinVar variation 3612825 (VCV003612825.2).

ClinVar aggregate classification (germline): Uncertain significance (1 of 4 stars; one submission).

gnomAD v4.1: 1 of 1,614,006 alleles (0.000062%); highest among the groups gnomAD compares: Non-Finnish European, 0.000085%; no homozygotes.

Submission:

Labcorp Genetics (formerly Invitae), Labcorp
Classification: Uncertain significance. Last evaluated: 2024-12-16. Review status: criteria provided, single submitter. Criteria: Invitae Variant Classification Sherloc (09022015). Collection method: clinical testing. Allele origin: germline.
Comment: This sequence change replaces lysine, which is basic and polar, with threonine, which is neutral and polar, at codon 125 of the P2RY12 protein (p.Lys125Thr). This variant is not present in population databases (gnomAD no frequency). This variant has not been reported in the literature in individuals affected with P2RY12-related conditions. An algorithm developed to predict the effect of missense changes on protein structure and function (PolyPhen-2) suggests that this variant is likely to be disruptive. In summary, the available evidence is currently insufficient to determine the role of this variant in disease. Therefore, it has been classified as a Variant of Uncertain Significance.